The following is an entry in ClinVar:

ClinVar aggregate classification (germline): Uncertain significance (1 of 4 stars; one submission).

Conditions:
PIK3CD-related disorder. Also called: PIK3CD-related condition.

Allele frequency attached by ClinVar (database versions not stated): ExAC 0.00001.
gnomAD v4.1: 12 of 1,613,736 alleles (0.00074%); highest among the groups gnomAD compares: Middle Eastern, 0.016%; no homozygotes.

Submission:

PreventionGenetics, part of Exact Sciences
Classification: Uncertain significance for PIK3CD-related condition. Last evaluated: 2023-05-16. Review status: criteria provided, single submitter. Criteria: ACMG Guidelines, 2015. Collection method: clinical testing. Allele origin: germline.
Comment: The PIK3CD c.1306G>A variant is predicted to result in the amino acid substitution p.Glu436Lys. To our knowledge, this variant has not been reported in the literature. This variant is reported in 0.0098% of alleles in individuals of South Asian descent in gnomAD. At this time, the clinical significance of this variant is uncertain due to the absence of conclusive functional and genetic evidence.

NM_005026.5(PIK3CD):c.1306G>A (p.Glu436Lys)

Genes: PIK3CD (phosphatidylinositol-4,5-bisphosphate 3-kinase catalytic subunit delta; plus strand), LOC126805612 (MED14-independent group 3 enhancer GRCh37_chr1:9778914-9780113; plus strand). Cytogenetic location: 1p36.22.
Variant type: single nucleotide variant.
Coding change: c.1306G>A on transcript NM_005026.5 (MANE Select); coding-DNA position 1306, G replaced by A.
Protein change: p.Glu436Lys; replaces glutamic acid 436 with lysine.
Molecular consequence: missense variant.
Genome position (GRCh38, 1-based): chr1:9,719,984, G>A. VCF-style: chr1-9719984-G-A. GRCh37 (hg19) VCF-style: chr1-9780042-G-A.
Other names: c.1306G>A, p.Glu436Lys (NM_001350234.2); c.1219G>A, p.Glu407Lys (NM_001350235.1); short protein forms E407K, E436K.
Identifiers: ClinVar variation 2635780 (VCV002635780.1), dbSNP rs747483450, ClinGen allele CA577146.
Genomic context (GRCh38, chr1:9,719,984, plus strand): 5'-TGCCCCATTGCCTGGGCCAACCTCATGCTGTTTGACTACAAGGACCAGCTTAAGACCGGG[G>A]AACGCTGCCTCTACATGTGGCCCTCCGTCCCAGGTCGGCCCAGGCCCAGGAGGGAGAGGC-3'
Protein context (NP_005017.3, residues 426-446): FDYKDQLKTG[Glu436Lys]RCLYMWPSVP